The following is an entry in ClinVar:

ClinVar aggregate classification (germline): Uncertain significance. Review status: criteria provided, multiple submitters, no conflicts (2 of 4 stars). 2 submissions from 2 submitters: Uncertain significance (2). Last evaluated 2024-11-20.

Conditions:
Exudative vitreoretinopathy 5 (EVR5). Identifiers: Orphanet 891, MedGen C2750079, MONDO:0013218, OMIM 613310.
TSPAN12-related disorder. Also called: TSPAN12-related condition.

Allele frequency attached by ClinVar (database versions not stated): gnomAD exomes below 0.00001.
gnomAD v4.1: 2 of 1,614,102 alleles (0.00012%); highest among the groups gnomAD compares: Non-Finnish European, 0.00017%; no homozygotes.

Submissions (2):

PreventionGenetics, part of Exact Sciences
Classification: Uncertain significance for TSPAN12-related condition. Last evaluated: 2024-11-20. Review status: criteria provided, single submitter. Criteria: ACMG Guidelines, 2015. Collection method: clinical testing. Allele origin: germline.
Comment: The TSPAN12 c.214T>C variant is predicted to result in the amino acid substitution p.Cys72Arg. To our knowledge, this variant has not been reported in the literature or in a large population database, indicating this variant is rare. Of note, a different variant affecting the adjacent amino acid (p.Cys71Phe) has been reported in an individual with exudative vitreoretinopathy (Wang et al. 2019. PubMed ID: 31106028). At this time, the clinical significance of c.214T>C (p.Cys72Arg) is uncertain due to the absence of conclusive functional and genetic evidence.

Victorian Clinical Genetics Services, Murdoch Childrens Research Institute
Classification: Uncertain significance for Exudative vitreoretinopathy 5. Last evaluated: 2022-06-24. Review status: criteria provided, single submitter. Criteria: ACMG Guidelines, 2015. Collection method: clinical testing. Allele origin: germline. Inheritance: Autosomal dominant inheritance. Affected: yes.
Comment: Based on the classification scheme VCGS_Germline_v1.3.4, this variant is classified as VUS-3A. Following criteria are met: 0102 - Loss of function is a known mechanism of disease in this gene and is associated with exudative vitreoretinopathy 5 (MIM#613310). (I) 0107 - This gene is associated with autosomal dominant disease. (I) 0112 - The condition associated with this gene has incomplete penetrance (PMID: 34738848, PMID: 20159112). (I) 0200 - Variant is predicted to result in a missense amino acid change from cysteine to arginine. (I) 0251 - This variant is heterozygous. (I) 0301 - Variant is absent from gnomAD (both v2 and v3). (SP) 0501 - Missense variant consistently predicted to be damaging by multiple in silico tools or highly conserved with a major amino acid change. (SP) 0600 - Variant is located in the annotated tetraspanin domain (DECIPHER). (I) 0705 - No comparable missense variants have previous evidence for pathogenicity. (I) 0807 - This variant has no previous evidence of pathogenicity. (I) 0905 - No published segregation evidence has been identified for this variant. (I) 1007 - No published functional evidence has been identified for this variant. (I) 1102 - Strong phenotype match for this individual. (SP) 1208 - Inheritance information for this variant is not currently available in this individual. (I) Legend: (SP) - Supporting pathogenic, (I) - Information, (SB) - Supporting benign

Literature cited by the submitters: PubMed 20159112 (cited by Victorian Clinical Genetics Services, Murdoch Childrens Research Institute); PubMed 34738848 (cited by Victorian Clinical Genetics Services, Murdoch Childrens Research Institute).

NM_012338.4(TSPAN12):c.214T>C (p.Cys72Arg)

Gene: TSPAN12 (tetraspanin 12; minus strand). Cytogenetic location: 7q31.31.
Variant type: single nucleotide variant.
Coding change: c.214T>C on transcript NM_012338.4 (MANE Select); coding-DNA position 214, T replaced by C.
Protein change: p.Cys72Arg; replaces cysteine 72 with arginine.
Molecular consequence: missense variant.
Genome position (GRCh38, 1-based): chr7:120,838,848, A>G on the plus strand (T>C on the coding strand, the complement: TSPAN12 is on the minus strand). VCF-style: chr7-120838848-A-G. GRCh37 (hg19) VCF-style: chr7-120478902-A-G.
Other names: short protein forms C72R.
Identifiers: ClinVar variation 1699371 (VCV001699371.4), dbSNP rs2116466534, ClinGen allele CA369141313.